The following is an entry in ClinVar:

NM_022455.5(NSD1):c.4928G>C (p.Cys1643Ser)

Gene: NSD1 (nuclear receptor binding SET domain protein 1; plus strand). Cytogenetic location: 5q35.3.
Variant type: single nucleotide variant.
Coding change: c.4928G>C on transcript NM_022455.5 (MANE Select); coding-DNA position 4928, G replaced by C.
Protein change: p.Cys1643Ser; replaces cysteine 1643 with serine.
Molecular consequence: missense variant.
Genome position (GRCh38, 1-based): chr5:177,257,113, G>C. VCF-style: chr5-177257113-G-C. GRCh37 (hg19) VCF-style: chr5-176684114-G-C.
Other names: c.4055G>C, p.Cys1352Ser (NM_001365684.2, NM_001409308.1, NM_001409309.1 and 1 more transcripts); c.4928G>C, p.Cys1643Ser (NM_001409301.1, NM_001409302.1, NM_001409303.1); c.4508G>C, p.Cys1503Ser (NM_001409304.1); c.4175G>C, p.Cys1392Ser (NM_001409305.1); c.4166G>C, p.Cys1389Ser (NM_001409306.1, NM_001409307.1); short protein forms C1352S, C1389S, C1392S, C1503S, C1643S.
Identifiers: ClinVar variation 2574130 (VCV002574130.2), dbSNP rs2480664913, ClinGen allele CA362356256.
Genomic context (GRCh38, chr5:177,257,113, plus strand): 5'-ACCCACCCACTGTTATGCAGAACAAGGGCTTCCGGTGCTCCCTCCACATCTGTATAACCT[G>C]TCATGCTGCTAATCCAGCCAATGTTTCTGCATCTAAAGGTATGGATTTCTTATGTGGACC-3'
Protein context (NP_071900.2, residues 1633-1653): FRCSLHICIT[Cys1643Ser]HAANPANVSA

ClinVar aggregate classification (germline): Pathogenic (1 of 4 stars; one submission).

Conditions:
Sotos syndrome (SOTOS). Also called: Sotos' syndrome; Distinctive facial appearance, overgrowth in childhood, and learning disabilities or delayed development; CEREBRAL GIGANTISM; CHROMOSOME 5q35 DELETION SYNDROME; SOTOS SYNDROME 1. Identifiers: Orphanet 821, MedGen C0175695, MONDO:0019349, OMIM 117550.

Submission:

Department of Medical Genetics, National Institute of Health
Classification: Pathogenic for Sotos syndrome. Review status: criteria provided, single submitter. Criteria: ACMG Guidelines, 2015. Collection method: clinical testing. Allele origin: de novo. Inheritance: Autosomal dominant inheritance. Affected: yes. Observed: 1 variant allele, 1 hemizygote.
Comment: The p.Cys1643Ser variant on the NSD1 is classified as Likely pathogenic according to the ACMG guidelines. It complies with the PP3, PM1, and PM2 criteria. Therefore, it is associated to the phenotype of our pateint and meets our criteria to be classified as pathogenic.